The following is an entry in ClinVar:

ClinVar aggregate classification (germline): Uncertain significance (1 of 4 stars; one submission).

Conditions:
Early-infantile DEE. Also called: Ohtahara syndrome; Early infantile epileptic encephalopathy; Early infantile epileptic encephalopathy with suppression bursts. Identifiers: Orphanet 1934, MedGen C0393706, MONDO:0800491.

gnomAD v4.1: 1 of 1,607,298 alleles (0.000062%); highest among the groups gnomAD compares: Non-Finnish European, 0.000085%; no homozygotes.

Submission:

Labcorp Genetics (formerly Invitae), Labcorp
Classification: Uncertain significance for Early-infantile DEE. Last evaluated: 2024-06-24. Review status: criteria provided, single submitter. Criteria: Invitae Variant Classification Sherloc (09022015). Collection method: clinical testing. Allele origin: germline.
Comment: This sequence change falls in intron 5 of the HCN1 gene. It does not directly change the encoded amino acid sequence of the HCN1 protein. It affects a nucleotide within the consensus splice site. This variant is not present in population databases (gnomAD no frequency). This variant has not been reported in the literature in individuals affected with HCN1-related conditions. Variants that disrupt the consensus splice site are a relatively common cause of aberrant splicing (PMID: 17576681, 9536098). Algorithms developed to predict the effect of sequence changes on RNA splicing suggest that this variant is not likely to affect RNA splicing. In summary, the available evidence is currently insufficient to determine the role of this variant in disease. Therefore, it has been classified as a Variant of Uncertain Significance.

Literature cited by the submitters: PubMed 17576681; PubMed 9536098.

NM_021072.4(HCN1):c.1377+6A>T

Gene: HCN1 (hyperpolarization activated cyclic nucleotide gated potassium channel 1; minus strand). Cytogenetic location: 5p12.
Variant type: single nucleotide variant.
Coding change: c.1377+6A>T on transcript NM_021072.4 (MANE Select); 6 bases into the intron after coding-DNA position 1377, A replaced by T.
Molecular consequence: intron variant.
Genome position (GRCh38, 1-based): chr5:45,353,094, T>A on the plus strand (A>T on the coding strand, the complement: HCN1 is on the minus strand). VCF-style: chr5-45353094-T-A. GRCh37 (hg19) VCF-style: chr5-45353196-T-A.
Identifiers: ClinVar variation 2983214 (VCV002983214.3), dbSNP rs1579834484, ClinGen allele CA1543606169.